The following is an entry in ClinVar:

ClinVar aggregate classification (germline): Likely benign (1 of 4 stars; one submission).

Submission:

GeneDx
Classification: Likely benign. Last evaluated: 2021-05-12. Review status: criteria provided, single submitter. Criteria: GeneDx Variant Classification Process June 2021. Collection method: clinical testing. Allele origin: germline. Affected: yes.
Comment: See Variant Classification Assertion Criteria.

NM_006459.4(ERLIN1):c.826-237del

Gene: ERLIN1 (ER lipid raft associated 1; minus strand). Cytogenetic location: 10q24.31.
Variant type: Deletion.
Coding change: c.826-237del on transcript NM_006459.4 (MANE Select); 237 bases into the intron before coding-DNA position 826, one base deleted (T; older notation c.826-237delT).
Molecular consequence: intron variant.
Genome position (GRCh38, 1-based): chr10:100,152,589, A deleted on the plus strand (T on the coding strand, the reverse complement: ERLIN1 is on the minus strand); the first of 4 consecutive A bases (chr10:100,152,589-100,152,592); deleting any one gives the same sequence. VCF-style (leftmost placement, unchanged base first): chr10-100152588-TA-T. GRCh37 (hg19) VCF-style: chr10-101912345-TA-T.
Other names: c.826-237del (NM_001347857.2, NM_001100626.2, NM_001347860.2 and 2 more transcripts); c.574-237del (NM_001347856.2); c.346-237del (NM_001347858.2).
Identifiers: ClinVar variation 1703399 (VCV001703399.2), dbSNP rs202152893, ClinGen allele CA212889051.